The following is an entry in ClinVar:

ClinVar aggregate classification (germline): Uncertain significance (1 of 4 stars; one submission).

Conditions:
Peroxisome biogenesis disorder 5A (Zellweger) (PBD5A). Identifiers: Orphanet 912, MedGen C3553940, MONDO:0013932, OMIM 614866.

Allele frequency attached by ClinVar (database versions not stated): gnomAD exomes below 0.00001; TOPMed below 0.00001; ExAC 0.00001.
gnomAD v4.1: 2 of 1,614,126 alleles (0.00012%); highest among the groups gnomAD compares: Non-Finnish European, 0.00017%; no homozygotes.

Submission:

Labcorp Genetics (formerly Invitae), Labcorp
Classification: Uncertain significance for Peroxisome biogenesis disorder 5A (Zellweger). Last evaluated: 2021-09-29. Review status: criteria provided, single submitter. Criteria: Invitae Variant Classification Sherloc (09022015). Collection method: clinical testing. Allele origin: germline.
Comment: This sequence change replaces leucine with valine at codon 246 of the PEX2 protein (p.Leu246Val). The leucine residue is highly conserved and there is a small physicochemical difference between leucine and valine. This variant is present in population databases (rs757764014, ExAC 0.001%). This variant has not been reported in the literature in individuals affected with PEX2-related conditions. Algorithms developed to predict the effect of missense changes on protein structure and function (SIFT, PolyPhen-2, Align-GVGD) all suggest that this variant is likely to be tolerated. Algorithms developed to predict the effect of sequence changes on RNA splicing suggest that this variant may create or strengthen a splice site. In summary, the available evidence is currently insufficient to determine the role of this variant in disease. Therefore, it has been classified as a Variant of Uncertain Significance.

NM_000318.3(PEX2):c.736C>G (p.Leu246Val)

Gene: PEX2 (peroxisomal biogenesis factor 2; minus strand). Cytogenetic location: 8q21.13.
Variant type: single nucleotide variant.
Coding change: c.736C>G on transcript NM_000318.3 (MANE Select); coding-DNA position 736, C replaced by G.
Protein change: p.Leu246Val; replaces leucine 246 with valine.
Molecular consequence: missense variant.
Genome position (GRCh38, 1-based): chr8:76,983,443, G>C on the plus strand (C>G on the coding strand, the complement: PEX2 is on the minus strand). VCF-style: chr8-76983443-G-C. GRCh37 (hg19) VCF-style: chr8-77895679-G-C.
Other names: c.736C>G, p.Leu246Val (NM_001079867.2, NM_001172086.2, NM_001172087.2); short protein forms L246V.
Identifiers: ClinVar variation 1464837 (VCV001464837.3), dbSNP rs757764014, ClinGen allele CA4788661.